The following is an entry in ClinVar:

NM_024642.5(GALNT12):c.932C>T (p.Ala311Val)

Gene: GALNT12 (polypeptide N-acetylgalactosaminyltransferase 12; plus strand). Cytogenetic location: 9q22.33.
Variant type: single nucleotide variant.
Coding change: c.932C>T on transcript NM_024642.5 (MANE Select); coding-DNA position 932, C replaced by T.
Protein change: p.Ala311Val; replaces alanine 311 with valine.
Molecular consequence: missense variant.
Genome position (GRCh38, 1-based): chr9:98,835,263, C>T. VCF-style: chr9-98835263-C-T. GRCh37 (hg19) VCF-style: chr9-101597545-C-T.
Other names: c.932C>T (NM_024642.4); short protein forms A311V.
Identifiers: ClinVar variation 3651624 (VCV003651624.3).

ClinVar aggregate classification (germline): Uncertain significance. Review status: criteria provided, multiple submitters, no conflicts (2 of 4 stars). 2 submissions from 2 submitters: Uncertain significance (2). Last evaluated 2025-07-18.

Submissions (2):

Ambry Genetics
Classification: Uncertain significance. Last evaluated: 2025-07-18. Review status: criteria provided, single submitter. Criteria: Ambry Variant Classification Scheme 2023. Collection method: clinical testing. Allele origin: germline.
Comment: The p.A311V variant (also known as c.932C>T), located in coding exon 5 of the GALNT12 gene, results from a C to T substitution at nucleotide position 932. The alanine at codon 311 is replaced by valine, an amino acid with similar properties. This amino acid position is conserved. In addition, this alteration is predicted to be deleterious by in silico analysis. Based on the available evidence, the clinical significance of this variant remains unclear.

Labcorp Genetics (formerly Invitae), Labcorp
Classification: Uncertain significance. Last evaluated: 2025-01-20. Review status: criteria provided, single submitter. Criteria: Invitae Variant Classification Sherloc (09022015). Collection method: clinical testing. Allele origin: germline.
Comment: This sequence change replaces alanine, which is neutral and non-polar, with valine, which is neutral and non-polar, at codon 311 of the GALNT12 protein (p.Ala311Val). This variant is present in population databases (no rsID available, gnomAD 0.007%). This variant has not been reported in the literature in individuals affected with GALNT12-related conditions. Invitae Evidence Modeling of protein sequence and biophysical properties (such as structural, functional, and spatial information, amino acid conservation, physicochemical variation, residue mobility, and thermodynamic stability) indicates that this missense variant is not expected to disrupt GALNT12 protein function with a negative predictive value of 80%. In summary, the available evidence is currently insufficient to determine the role of this variant in disease. Therefore, it has been classified as a Variant of Uncertain Significance.